The following is an entry in ClinVar:

NM_001302084.2(TOP6BL):c.-29-2697_-29-2696dup

Gene: TOP6BL (TOP6B like initiator of meiotic double strand breaks; plus strand). Cytogenetic location: 11q13.2.
Variant type: Duplication.
Coding change: c.-29-2697_-29-2696dup on transcript NM_001302084.2 (MANE Select); 2697 bases into the intron before 29 bases upstream of the start codon through 2696 bases into the intron before 29 bases upstream of the start codon, 2 bases duplicated (TT; older notation c.-29-2697_-29-2696dupTT).
Molecular consequence: intron variant.
Genome position (GRCh38, 1-based): chr11:66,756,346-66,756,347, TT duplicated; duplicating any 2 consecutive bases within chr11:66,756,338-66,756,347 gives the same sequence; the c. name uses the placement nearest the transcript's 3' end. VCF-style (leftmost placement, unchanged base first): chr11-66756337-C-CTT. GRCh37 (hg19) VCF-style: chr11-66523808-C-CTT.
Other names: c.317-7_317-6dupTT (NM_024650.3); c.170-7_170-6dup (NM_024650.4).
Identifiers: ClinVar variation 3038989 (VCV003038989.2), dbSNP rs538618909, ClinGen allele CA6129827.

ClinVar aggregate classification (germline): Likely benign (0 of 4 stars; one submission).

Conditions:
TOP6BL-related disorder. Also called: TOP6BL-related condition.

Submission:

PreventionGenetics, part of Exact Sciences
Classification: Likely benign for TOP6BL-related condition. Last evaluated: 2019-09-20. Review status: no assertion criteria provided. Collection method: clinical testing. Allele origin: germline.
Comment: This variant is classified as likely benign based on ACMG/AMP sequence variant interpretation guidelines (Richards et al. 2015 PMID: 25741868, with internal and published modifications).